The following is an entry in ClinVar:

NM_152327.5(AK7):c.722C>T (p.Pro241Leu)

Gene: AK7 (adenylate kinase 7; plus strand). Cytogenetic location: 14q32.2.
Variant type: single nucleotide variant.
Coding change: c.722C>T on transcript NM_152327.5 (MANE Select); coding-DNA position 722, C replaced by T.
Protein change: p.Pro241Leu; replaces proline 241 with leucine.
Molecular consequence: missense variant.
Genome position (GRCh38, 1-based): chr14:96,442,761, C>T. VCF-style: chr14-96442761-C-T. GRCh37 (hg19) VCF-style: chr14-96909098-C-T.
Other names: c.722C>T, p.Pro241Leu (NM_001350888.2, NM_001350890.2, NM_001350891.2 and 1 more transcripts); short protein forms P241L.
Identifiers: ClinVar variation 1997577 (VCV001997577.4), dbSNP rs756794218, ClinGen allele CA7337598.

ClinVar aggregate classification (germline): Uncertain significance (1 of 4 stars; one submission).

Allele frequency attached by ClinVar (database versions not stated): ExAC 0.00001; TOPMed 0.00001.
gnomAD v4.1: 4 of 1,614,198 alleles (0.00025%); highest among the groups gnomAD compares: Admixed American, 0.0017%; no homozygotes.

Submission:

Labcorp Genetics (formerly Invitae), Labcorp
Classification: Uncertain significance. Last evaluated: 2022-05-22. Review status: criteria provided, single submitter. Criteria: Invitae Variant Classification Sherloc (09022015). Collection method: clinical testing. Allele origin: germline.
Comment: This variant has not been reported in the literature in individuals affected with AK7-related conditions. Algorithms developed to predict the effect of missense changes on protein structure and function are either unavailable or do not agree on the potential impact of this missense change (SIFT: "Deleterious"; PolyPhen-2: "Possibly Damaging"; Align-GVGD: "Class C0"). In summary, the available evidence is currently insufficient to determine the role of this variant in disease. Therefore, it has been classified as a Variant of Uncertain Significance. This sequence change replaces proline, which is neutral and non-polar, with leucine, which is neutral and non-polar, at codon 241 of the AK7 protein (p.Pro241Leu). This variant is present in population databases (rs756794218, gnomAD 0.003%).